The following is an entry in ClinVar:

NM_004380.3(CREBBP):c.6594GCA[1] (p.Gln2213_Gln2216del)

Gene: CREBBP (CREB binding lysine acetyltransferase; minus strand). Cytogenetic location: 16p13.3.
Variant type: Microsatellite.
Coding change: c.6594GCA[1] on transcript NM_004380.3 (MANE Select); one copy of the 3-base unit GCA starting at c.6594; the reference has five copies in a row; four copies, 12 bases deleted.
Protein change: p.Gln2213_Gln2216del.
Molecular consequence: inframe deletion.
Genome position (GRCh38, 1-based): chr16:3,728,439-3,728,450, TGCTGCTGCTGC deleted on the plus strand (GCAGCAGCAGCA on the coding strand, the reverse complement: CREBBP is on the minus strand); deleting any 12 consecutive bases within chr16:3,728,439-3,728,453 gives the same sequence; the position shown is the placement nearest the transcript's 3' end. VCF-style (leftmost placement, unchanged base first): chr16-3728438-TTGCTGCTGCTGC-T. GRCh37 (hg19) VCF-style: chr16-3778439-TTGCTGCTGCTGC-T.
Other names: c.6480GCA[1], p.Gln2175_Gln2178del (NM_001079846.1).
Identifiers: ClinVar variation 4989262 (VCV004989262.1).

ClinVar aggregate classification (germline): Uncertain significance (1 of 4 stars; one submission).

Conditions:
CREBBP-related disorder. Also called: CREBBP-related disorders; CREBBP-related condition.

Submission:

PreventionGenetics, part of Exact Sciences
Classification: Uncertain significance for CREBBP-related condition. Last evaluated: 2024-11-21. Review status: criteria provided, single submitter. Criteria: ACMG Guidelines, 2015. Collection method: clinical testing. Allele origin: germline.
Comment: The CREBBP c.6597_6608del12 variant is predicted to result in an in-frame deletion (p.Gln2213_Gln2216del). To our knowledge, this variant has not been reported in the literature. This variant is reported in 0.0050% of alleles in individuals of East Asian descent in gnomAD. At this time, the clinical significance of this variant is uncertain due to the absence of conclusive functional and genetic evidence.